The following is an entry in ClinVar:

NM_001032283.3(TMPO):c.565+1890T>G

Gene: TMPO (thymopoietin; plus strand). Cytogenetic location: 12q23.1.
Variant type: single nucleotide variant.
Coding change: c.565+1890T>G on transcript NM_001032283.3 (MANE Select); 1890 bases into the intron after coding-DNA position 565, T replaced by G.
Molecular consequence: intron variant. On other transcripts: missense variant (1).
Genome position (GRCh38, 1-based): chr12:98,533,728, T>G. VCF-style: chr12-98533728-T-G. GRCh37 (hg19) VCF-style: chr12-98927506-T-G.
Other names: p.S491A:TCT>GCT; c.1471T>G, p.Ser491Ala (NM_003276.2); c.565+1890T>G (NM_001307975.2, NM_001032284.3); short protein forms S491A.
Identifiers: ClinVar variation 44663 (VCV000044663.21), dbSNP rs80325832, ClinGen allele CA134799.
Genomic context (GRCh38, chr12:98,533,728, plus strand): 5'-ACCTTAGGTCTAGAAGTGGCTAAGCAATCACAGCATGATAAAATAGATGCCTCAGAACTA[T>G]CTTTTCCCTTCCATGAATCTATTTTAAAAGTAATTGAAGAAGAATGGCAGCAAGTTGACA-3'

ClinVar aggregate classification (germline): Benign. Review status: criteria provided, multiple submitters, no conflicts (2 of 4 stars). 6 submissions from 6 submitters: Benign (6). Last evaluated 2026-02-01.

Conditions:
Loeys-Dietz syndrome 2 (LDS2). Also called: TGFBR2-Related Loeys-Dietz Syndrome; Marfan Syndrome type 2; Marfan like connective tissue disorder; MFS 2; AORTIC ANEURYSM, FAMILIAL THORACIC 3; MARFAN SYNDROME, TYPE II. Identifiers: Orphanet 284973, Orphanet 558, MedGen C2674574, MONDO:0012427, OMIM 610168.

Allele frequency attached by ClinVar (database versions not stated): gnomAD 0.01171 and 0.01253; 1000 Genomes Project 0.01318; 1000 Genomes Project 30x 0.01343; TOPMed 0.01351; ESP Exome Variant Server 0.01492; gnomAD exomes 0.00115 and 0.00314; ExAC 0.00381.
gnomAD v4.1: 3,528 of 1,614,194 alleles (0.22%); highest among the groups gnomAD compares: African/African-American, 4.2%; 76 homozygotes.

Submissions (6):

Labcorp Genetics (formerly Invitae), Labcorp
Classification: Benign for Loeys-Dietz syndrome 2. Last evaluated: 2026-02-01. Review status: criteria provided, single submitter. Criteria: Invitae Variant Classification Sherloc (09022015). Collection method: clinical testing. Allele origin: germline.

Ambry Genetics
Classification: Benign. Last evaluated: 2015-08-04. Review status: criteria provided, single submitter. Criteria: Ambry Variant Classification Scheme 2023. Collection method: clinical testing. Allele origin: germline.

GeneDx
Classification: Benign. Last evaluated: 2014-04-17. Review status: criteria provided, single submitter. Criteria: GeneDx Variant Classification (06012015). Collection method: clinical testing. Allele origin: germline. Affected: yes.
Comment: This variant is considered likely benign or benign based on one or more of the following criteria: it is a conservative change, it occurs at a poorly conserved position in the protein, it is predicted to be benign by multiple in silico algorithms, and/or has population frequency not consistent with disease.

Biesecker Lab/Clinical Genomics Section, National Institutes of Health
Classification: Benign. Last evaluated: 2013-06-24. Review status: criteria provided, single submitter. Criteria: Ng et al. (Circ Cardiovasc Genet. 2013). Collection method: research. Allele origin: unknown. Observed: 1 variant allele. Study: ClinSeq.
Comment: The study set was not selected for affection status in relation to any cancer. Pathogenicity categories were based on literature curation. See Pubmed ID:23861362 for details.

Medical sequencing

Laboratory for Molecular Medicine, Mass General Brigham Personalized Medicine
Classification: Benign. Last evaluated: 2012-03-19. Review status: criteria provided, single submitter. Criteria: LMM Criteria. Collection method: clinical testing. Allele origin: germline. Observed: 15 variant alleles.
Comment: p.Ser491Ala in Exon 04 of TMPO: This variant is not expected to have clinical si gnificance because it has been identified in 4.4% (163/3738) of African American chromosomes from a broad population by the NHLBI Exome Sequencing Project (dbSNP rs80325832).

Breakthrough Genomics
Classification: Benign. Review status: criteria provided, single submitter. Criteria: ACMG Guidelines, 2015. Collection method: not provided. Allele origin: germline. Inheritance: Unknown mechanism. Affected: yes.